The following is an entry in ClinVar:

ClinVar aggregate classification (germline): Uncertain significance (1 of 4 stars; one submission).

Conditions:
Peroxisome biogenesis disorder 3A (Zellweger). Also called: Peroxisome biogenesis disorder 3A; PEROXISOMAL BIOGENESIS DISORDER 3A (ZELLWEGER). Identifiers: Orphanet 912, MedGen C3553929, MONDO:0013927, OMIM 614859.

Submission:

Labcorp Genetics (formerly Invitae), Labcorp
Classification: Uncertain significance for Peroxisome biogenesis disorder 3A (Zellweger). Last evaluated: 2021-05-25. Review status: criteria provided, single submitter. Criteria: Invitae Variant Classification Sherloc (09022015). Collection method: clinical testing. Allele origin: germline.
Comment: This variant is not present in population databases (ExAC no frequency). In summary, the available evidence is currently insufficient to determine the role of this variant in disease. Therefore, it has been classified as a Variant of Uncertain Significance. Algorithms developed to predict the effect of missense changes on protein structure and function are either unavailable or do not agree on the potential impact of this missense change (SIFT: "Deleterious"; PolyPhen-2: "Probably Damaging"; Align-GVGD: "Class C0"). This variant has not been reported in the literature in individuals with PEX12-related conditions. This sequence change replaces leucine with phenylalanine at codon 354 of the PEX12 protein (p.Leu354Phe). The leucine residue is highly conserved and there is a small physicochemical difference between leucine and phenylalanine.

NM_000286.3(PEX12):c.1060C>T (p.Leu354Phe)

Gene: PEX12 (peroxisomal biogenesis factor 12; minus strand). Cytogenetic location: 17q12.
Variant type: single nucleotide variant.
Coding change: c.1060C>T on transcript NM_000286.3 (MANE Select); coding-DNA position 1060, C replaced by T.
Protein change: p.Leu354Phe; replaces leucine 354 with phenylalanine.
Molecular consequence: missense variant.
Genome position (GRCh38, 1-based): chr17:35,575,802, G>A on the plus strand (C>T on the coding strand, the complement: PEX12 is on the minus strand). VCF-style: chr17-35575802-G-A. GRCh37 (hg19) VCF-style: chr17-33902821-G-A.
Other names: short protein forms L354F.
Identifiers: ClinVar variation 1354908 (VCV001354908.8), dbSNP rs928085463, ClinGen allele CA290068062.
Genomic context (GRCh38, chr17:35,575,802, plus strand): 5'-GCGCAATACTTTTGTTGTGAGGATAAGACATGATTCCCTTTCAGTTCTCAGGGGAGTAGA[G>A]TTTAATCAGATGTTGTACTTCTGTTGGATAACCTGTGATGGGACAAGCTTGGTGACTCCT-3'
Protein context (NP_000277.1, residues 344-359): YPTEVQHLIK[Leu354Phe]YSPEN